The following is an entry in ClinVar:

NM_033637.4(BTRC):c.1781G>A (p.Arg594His)

Gene: BTRC (beta-transducin repeat containing E3 ubiquitin protein ligase; plus strand). Cytogenetic location: 10q24.32.
Variant type: single nucleotide variant.
Coding change: c.1781G>A on transcript NM_033637.4 (MANE Select); coding-DNA position 1781, G replaced by A.
Protein change: p.Arg594His; replaces arginine 594 with histidine.
Molecular consequence: missense variant.
Genome position (GRCh38, 1-based): chr10:101,550,823, G>A. VCF-style: chr10-101550823-G-A. GRCh37 (hg19) VCF-style: chr10-103310580-G-A.
Other names: c.1703G>A, p.Arg568His (NM_001256856.2); c.1673G>A, p.Arg558His (NM_003939.5); short protein forms R594H, R558H, R568H.
Identifiers: ClinVar variation 3673078 (VCV003673078.2).

ClinVar aggregate classification (germline): Uncertain significance (1 of 4 stars; one submission).

gnomAD v4.1: 143 of 1,613,600 alleles (0.0089%); highest among the groups gnomAD compares: Middle Eastern, 0.016%; no homozygotes.

Submission:

Labcorp Genetics (formerly Invitae), Labcorp
Classification: Uncertain significance. Last evaluated: 2025-06-24. Review status: criteria provided, single submitter. Criteria: Invitae Variant Classification Sherloc (09022015). Collection method: clinical testing. Allele origin: germline.
Comment: This sequence change replaces arginine, which is basic and polar, with histidine, which is basic and polar, at codon 594 of the BTRC protein (p.Arg594His). This variant is present in population databases (rs141030727, gnomAD 0.01%). This variant has not been reported in the literature in individuals affected with BTRC-related conditions. ClinVar contains an entry for this variant (Variation ID: 3673078). An algorithm developed to predict the effect of missense changes on protein structure and function outputs the following: PolyPhen-2: "Benign". The histidine amino acid residue is found in multiple mammalian species, which suggests that this missense change does not adversely affect protein function. In summary, the available evidence is currently insufficient to determine the role of this variant in disease. Therefore, it has been classified as a Variant of Uncertain Significance.